The following is an entry in ClinVar:

ClinVar aggregate classification (germline): Uncertain significance (1 of 4 stars; one submission).

Conditions:
GM3 synthase deficiency (SPDRS). Also called: SALT AND PEPPER MENTAL RETARDATION SYNDROME; SALT AND PEPPER DEVELOPMENTAL REGRESSION SYNDROME; AMISH INFANTILE EPILEPSY SYNDROME. Identifiers: Orphanet 171714, Orphanet 370933, MedGen C1836824, MONDO:0018274, OMIM 609056.

Allele frequency attached by ClinVar (database versions not stated): gnomAD exomes below 0.00001.
gnomAD v4.1: 1 of 1,614,196 alleles (0.000062%); highest among the groups gnomAD compares: Non-Finnish European, 0.000085%; no homozygotes.

Submission:

Labcorp Genetics (formerly Invitae), Labcorp
Classification: Uncertain significance for GM3 synthase deficiency. Last evaluated: 2022-05-28. Review status: criteria provided, single submitter. Criteria: Invitae Variant Classification Sherloc (09022015). Collection method: clinical testing. Allele origin: germline.
Comment: This sequence change replaces arginine, which is basic and polar, with serine, which is neutral and polar, at codon 136 of the ST3GAL5 protein (p.Arg136Ser). This variant is not present in population databases (gnomAD no frequency). This variant has not been reported in the literature in individuals affected with ST3GAL5-related conditions. Algorithms developed to predict the effect of missense changes on protein structure and function are either unavailable or do not agree on the potential impact of this missense change (SIFT: "Deleterious"; PolyPhen-2: "Benign"; Align-GVGD: "Class C35"). In summary, the available evidence is currently insufficient to determine the role of this variant in disease. Therefore, it has been classified as a Variant of Uncertain Significance.

NM_003896.4(ST3GAL5):c.408G>T (p.Arg136Ser)

Gene: ST3GAL5 (ST3 beta-galactoside alpha-2,3-sialyltransferase 5; minus strand). Cytogenetic location: 2p11.2.
Variant type: single nucleotide variant.
Coding change: c.408G>T on transcript NM_003896.4 (MANE Select); coding-DNA position 408, G replaced by T.
Protein change: p.Arg136Ser; replaces arginine 136 with serine.
Molecular consequence: missense variant. On other transcripts: 5 prime UTR variant (1).
Genome position (GRCh38, 1-based): chr2:85,848,115, C>A on the plus strand (G>T on the coding strand, the complement: ST3GAL5 is on the minus strand). VCF-style: chr2-85848115-C-A. GRCh37 (hg19) VCF-style: chr2-86075238-C-A.
Other names: c.339G>T, p.Arg113Ser (NM_001042437.2); c.24G>T, p.Arg8Ser (NM_001354223.2, NM_001354224.2, NM_001354226.2 and 3 more transcripts); c.324G>T, p.Arg108Ser (NM_001354227.2, NM_001354229.2, NM_001354238.1); c.-497G>T (NM_001354247.1); c.408G>T, p.Arg136Ser (NM_001363847.1); short protein forms R136S, R8S, R108S, R113S.
Identifiers: ClinVar variation 2175524 (VCV002175524.1), dbSNP rs2103960240, ClinGen allele CA347532713.
Genomic context (GRCh38, chr2:85,848,115, plus strand): 5'-GGACTCAGCTTCACTGTCTTTGGGGGCCTTCTGCACAAAAGGGAGTAAGTCCACGCTATA[C>A]CTGTGCTCAAATAACAGCGCCATTGATGTCTTGGCAAACTTGGGACGACATTCCTTCTGC-3'
Protein context (NP_003887.3, residues 126-146): KTSMALLFEH[Arg136Ser]YSVDLLPFVQ